The following is an entry in ClinVar:

ClinVar aggregate classification (germline): Pathogenic/Likely pathogenic. Review status: criteria provided, multiple submitters, no conflicts (2 of 4 stars). 5 submissions from 5 submitters: Pathogenic (4); Likely pathogenic (1). Last evaluated 2025-08-08.

Conditions:
Fanconi anemia complementation group A (FANCA). Also called: Fanconi anemia, group A; FANCA-Related Fanconi Anemia. Identifiers: Orphanet 84, MedGen C3469521, MONDO:0009215, OMIM 227650.
Fanconi anemia (FA). Also called: Fanconi's anemia. Identifiers: Orphanet 84, MedGen C0015625, MeSH D005199, MONDO:0019391.

Submissions (5):

Quest Diagnostics Nichols Institute San Juan Capistrano
Classification: Pathogenic. Last evaluated: 2025-08-08. Review status: criteria provided, single submitter. Criteria: Quest Diagnostics criteria. Collection method: clinical testing. Allele origin: unknown.
Comment: The FANCA c.3915_3916del (p.Phe1306Serfs*6) variant alters the translational reading frame of the FANCA mRNA and causes the premature termination of FANCA protein synthesis. This variant has been reported in the published literature in individuals with Fanconi anemia, who were compound heterozygous for the variant and a pathogenic or likely pathogenic FANCA variant (PMIDs: 29098742 (2018), 19278965 (2009)). The frequency of this variant in the general population (Genome Aggregation Database) is consistent with pathogenicity. Based on the available information, this variant is classified as pathogenic.

Natera, Inc.
Classification: Likely pathogenic for Fanconi anemia. Last evaluated: 2025-01-23. Review status: criteria provided, single submitter. Criteria: Natera Variant Classification Schema (03/2026). Collection method: clinical testing. Allele origin: germline.
Comment: The c.3915_3916delCT variant in FANCA is a frameshift variant predicted to shift the reading frame beginning at codon 1306 and leads to a stop codon 6 codons downstream. This variant is expected to result in nonsense mediated decay, truncation, or a dysfunctional protein product. This variant is rare in the general population with a frequency below the threshold expected for the associated phenotype(s). Given the available evidence, this variant is classified as Likely Pathogenic.

Fulgent Genetics
Classification: Pathogenic for Fanconi anemia complementation group A. Last evaluated: 2024-06-04. Review status: criteria provided, single submitter. Criteria: ACMG Guidelines, 2015. Collection method: clinical testing. Allele origin: germline.

Labcorp Genetics (formerly Invitae), Labcorp
Classification: Pathogenic for Fanconi anemia. Last evaluated: 2023-07-25. Review status: criteria provided, single submitter. Criteria: Invitae Variant Classification Sherloc (09022015). Collection method: clinical testing. Allele origin: germline.
Comment: ClinVar contains an entry for this variant (Variation ID: 840082). This premature translational stop signal has been observed in individual(s) with clinical features of Fanconi anemia (PMID: 19278965, 29098742). This variant is present in population databases (rs748453841, gnomAD 0.01%). This sequence change creates a premature translational stop signal (p.Phe1306Serfs*6) in the FANCA gene. It is expected to result in an absent or disrupted protein product. Loss-of-function variants in FANCA are known to be pathogenic (PMID: 19367192). For these reasons, this variant has been classified as Pathogenic.

Baylor Genetics
Classification: Pathogenic for Fanconi anemia complementation group A. Last evaluated: 2023-03-30. Review status: criteria provided, single submitter. Criteria: ACMG Guidelines, 2015. Collection method: clinical testing. Allele origin: unknown.

Literature cited by the submitters: PubMed 29098742 (cited by Quest Diagnostics Nichols Institute San Juan Capistrano and Labcorp Genetics (formerly Invitae), Labcorp); PubMed 19278965 (cited by Quest Diagnostics Nichols Institute San Juan Capistrano and Labcorp Genetics (formerly Invitae), Labcorp); PubMed 19367192 (cited by Labcorp Genetics (formerly Invitae), Labcorp).

NM_000135.4(FANCA):c.3915_3916del (p.Phe1306fs)

Genes: FANCA (FA complementation group A; minus strand), ZNF276 (zinc finger protein 276; plus strand). Cytogenetic location: 16q24.3.
Variant type: Microsatellite.
Coding change: c.3915_3916del on transcript NM_000135.4 (MANE Select); coding-DNA positions 3915 to 3916, 2 bases deleted (CT; older notation c.3915_3916delCT).
Protein change: p.Phe1306fs; shifts the reading frame from phenylalanine 1306.
Molecular consequence: frameshift variant. On other transcripts: 3 prime UTR variant (2), non-coding transcript variant (4).
Genome position (GRCh38, 1-based): chr16:89,740,012-89,740,013, AG deleted on the plus strand (CT on the coding strand, the reverse complement: FANCA is on the minus strand); deleting any 2 consecutive bases within chr16:89,740,012-89,740,015 gives the same sequence; the c. name uses the placement nearest the transcript's 3' end. VCF-style (leftmost placement, unchanged base first): chr16-89740011-AAG-A. GRCh37 (hg19) VCF-style: chr16-89806419-AAG-A.
Other names: c.3915_3916del (NM_000135.3, NM_000135.2); c.3915_3916delCT (NM_000135.3); c.3913_3914CT[1], p.Phe1306Serfs (NM_000135.2); c.3915_3916del, p.Phe1306fs (NM_001286167.3); c.*1766AG[1] (NM_001113525.2, NM_152287.4); short protein forms F1306fs.
Identifiers: ClinVar variation 840082 (VCV000840082.13), dbSNP rs748453841, ClinGen allele CA8250913.
Genomic context (GRCh38, chr16:89,740,011, plus strand): 5'-AGAGCGGCCCTCCGCATTTGTGCCTCAGCAGCGTGTTTCTTACCACTCTCTGTCAACTGA[AAG>A]AGTGCCAGCCAGGATATCTTCCTCTTCTCTAAACACTCGAGGATTGCTGCACAAACGTGG-3'